The following is an entry in ClinVar:

ClinVar aggregate classification (germline): Uncertain significance (1 of 4 stars; one submission).

Conditions:
Autosomal dominant nonsyndromic hearing loss 1. Also called: KONIGSMARK SYNDROME; DEAFNESS, AUTOSOMAL DOMINANT 1, WITH OR WITHOUT THROMBOCYTOPENIA. Identifiers: Orphanet 90635, MedGen C1852282, MONDO:0007424, OMIM 124900.
Progressive microcephaly-seizures-cortical blindness-developmental delay syndrome. Also called: Seizures, cortical blindness, and microcephaly syndrome. Identifiers: Orphanet 477814, MedGen C5567650, MONDO:0014714, OMIM 616632.

Allele frequency attached by ClinVar (database versions not stated): gnomAD exomes below 0.00001.
gnomAD v4.1: 1 of 1,614,180 alleles (0.000062%); highest among the groups gnomAD compares: Non-Finnish European, 0.000085%; no homozygotes.

Submission:

Labcorp Genetics (formerly Invitae), Labcorp
Classification: Uncertain significance for Progressive microcephaly-seizures-cortical blindness-developmental delay syndrome; Autosomal dominant nonsyndromic hearing loss 1. Last evaluated: 2023-10-18. Review status: criteria provided, single submitter. Criteria: Invitae Variant Classification Sherloc (09022015). Collection method: clinical testing. Allele origin: germline.
Comment: This sequence change replaces asparagine, which is neutral and polar, with aspartic acid, which is acidic and polar, at codon 65 of the DIAPH1 protein (p.Asn65Asp). This variant is not present in population databases (gnomAD no frequency). This variant has not been reported in the literature in individuals affected with DIAPH1-related conditions. ClinVar contains an entry for this variant (Variation ID: 2101060). Experimental studies and prediction algorithms are not available or were not evaluated, and the functional significance of this variant is currently unknown. In summary, the available evidence is currently insufficient to determine the role of this variant in disease. Therefore, it has been classified as a Variant of Uncertain Significance.

NM_005219.5(DIAPH1):c.193A>G (p.Asn65Asp)

Gene: DIAPH1 (diaphanous related formin 1; minus strand). Cytogenetic location: 5q31.3.
Variant type: single nucleotide variant.
Coding change: c.193A>G on transcript NM_005219.5 (MANE Select); coding-DNA position 193, A replaced by G.
Protein change: p.Asn65Asp; replaces asparagine 65 with aspartic acid.
Molecular consequence: missense variant.
Genome position (GRCh38, 1-based): chr5:141,587,149, T>C on the plus strand (A>G on the coding strand, the complement: DIAPH1 is on the minus strand). VCF-style: chr5-141587149-T-C. GRCh37 (hg19) VCF-style: chr5-140966716-T-C.
Other names: c.166A>G, p.Asn56Asp (NM_001079812.3); c.193A>G, p.Asn65Asp (NM_001314007.2); short protein forms N56D, N65D.
Identifiers: ClinVar variation 2101060 (VCV002101060.4), dbSNP rs2513781260, ClinGen allele CA361546621.